The following is an entry in ClinVar:

ClinVar aggregate classification (germline): Pathogenic. Review status: criteria provided, single submitter (1 of 4 stars). 2 submissions from 2 submitters: Pathogenic (1). 1 of the submissions does not count toward it. Last evaluated 2022-02-02.

Conditions:
FG syndrome 1 (OKS). Also called: OPITZ-KAVEGGIA SYNDROME; KELLER SYNDROME; MENTAL RETARDATION, LARGE HEAD, IMPERFORATE ANUS, CONGENITAL HYPOTONIA, AND PARTIAL AGENESIS OF CORPUS CALLOSUM; FG Syndrome Type 1 (FGS1). Identifiers: Orphanet 93932, MedGen C5399762, MONDO:0010590, OMIM 305450.
MED12-related intellectual disability syndrome. Identifiers: MedGen CN305246, MONDO:0100000.

Submissions (2):

Victorian Clinical Genetics Services, Murdoch Childrens Research Institute
Classification: Pathogenic for MED12-related intellectual disability syndrome. Last evaluated: 2022-02-02. Review status: criteria provided, single submitter. Criteria: ACMG Guidelines, 2015. Collection method: clinical testing. Allele origin: germline. Inheritance: X-linked inheritance. Affected: yes.
Comment: Based on the classification scheme VCGS_Germline_v1.3.4, this variant is classified as Pathogenic. Following criteria are met: 0102 - Loss of function is a known mechanism of disease in this gene and is associated with Lujan-Fryns syndrome (MIM#309520), Ohdo syndrome (MIM#300895), Opitz-Kaveggia syndrome (MIM#305450) and Hardikar syndrome (PMID: 33244166). 0109 - This gene is associated with X-linked disease. (I) 0115 - Variants in this gene are known to have variable expressivity which is commonly observed in affected females (PMID: 33244165; 33913598). (I) 0200 - Variant is predicted to result in a missense amino acid change from glutamic acid to glutamine. (I) 0251 - This variant is heterozygous. (I) 0301 - Variant is absent from gnomAD (both v2 and v3). (SP) 0502 - Missense variant with conflicting in silico predictions and uninformative conservation. (I) 0604 - Variant is not located in an established domain, motif, hotspot or informative constraint region. (I) 0705 - No comparable missense variants have previous evidence for pathogenicity. (I) 0801 - This variant has strong previous evidence of pathogenicity in unrelated individuals. This variant has been reported to be de novo in two unrelated females with severe ID and dysmorphic features. Additionally both individuals demonstrated skewed X-chromosome inactivation (PMIDs: 31322785, 33244165). (SP) 0905 - No published segregation evidence has been identified for this variant. (I) 1007 - No published functional evidence has been identified for this variant. (SP) Legend: (SP) - Supporting pathogenic, (I) - Information, (SB) - Supporting benign

GeneReviews
No classification provided. Condition: FG syndrome. Review status: no classification provided. Collection method: literature only. Allele origin: germline. Not counted in ClinVar's aggregate classification.

Literature cited by the submitters: PubMed 31322785 (cited by Victorian Clinical Genetics Services, Murdoch Childrens Research Institute and GeneReviews); PubMed 33244165 (cited by Victorian Clinical Genetics Services, Murdoch Childrens Research Institute and GeneReviews); PubMed 33244166 (cited by Victorian Clinical Genetics Services, Murdoch Childrens Research Institute); PubMed 33913598 (cited by Victorian Clinical Genetics Services, Murdoch Childrens Research Institute); PubMed 20301719 (cited by GeneReviews).

NM_005120.3(MED12):c.514G>C (p.Glu172Gln)

Gene: MED12 (mediator complex subunit 12; plus strand). Cytogenetic location: Xq13.1.
Variant type: single nucleotide variant.
Coding change: c.514G>C on transcript NM_005120.3 (MANE Select); coding-DNA position 514, G replaced by C.
Protein change: p.Glu172Gln; replaces glutamic acid 172 with glutamine.
Molecular consequence: missense variant.
Genome position (GRCh38, 1-based): chrX:71,120,131, G>C. VCF-style: chrX-71120131-G-C. GRCh37 (hg19) VCF-style: chrX-70339981-G-C.
Other names: c.514G>C (NM_005120.2); short protein forms E172Q.
Identifiers: ClinVar variation 1210231 (VCV001210231.6), dbSNP rs2147774632, ClinGen allele CA413500175.